The following is an entry in ClinVar:

NM_001365088.1(SLC12A6):c.28dup (p.Met10fs)

Gene: SLC12A6 (solute carrier family 12 member 6; minus strand). Cytogenetic location: 15q14.
Variant type: Duplication.
Coding change: c.28dup on transcript NM_001365088.1 (MANE Select); coding-DNA position 28, one base duplicated (A; older notation c.28dupA).
Protein change: p.Met10fs; shifts the reading frame from methionine 10.
Molecular consequence: frameshift variant. On other transcripts: initiator codon variant (1), intron variant (2).
Genome position (GRCh38, 1-based): chr15:34,336,653, T duplicated on the plus strand (A on the coding strand, the reverse complement: SLC12A6 is on the minus strand). VCF-style (leftmost placement, unchanged base first): chr15-34336652-A-AT. GRCh37 (hg19) VCF-style: chr15-34628853-A-AT.
Other names: c.1dup, p.Met1fs (NM_001042496.2); c.28dup, p.Met10fs (NM_001042497.2, NM_133647.2); c.-98-52dup (NM_001042495.2, NM_001042494.2); short protein forms M10fs, M1fs.
Identifiers: ClinVar variation 2824224 (VCV002824224.3), dbSNP rs2510086719, ClinGen allele CA2739278053.

ClinVar aggregate classification (germline): Pathogenic (1 of 4 stars; one submission).

Submission:

Labcorp Genetics (formerly Invitae), Labcorp
Classification: Pathogenic. Last evaluated: 2022-12-26. Review status: criteria provided, single submitter. Criteria: Invitae Variant Classification Sherloc (09022015). Collection method: clinical testing. Allele origin: germline.
Comment: For these reasons, this variant has been classified as Pathogenic. This variant has not been reported in the literature in individuals affected with SLC12A6-related conditions. This variant is not present in population databases (gnomAD no frequency). This sequence change creates a premature translational stop signal (p.Met10Asnfs*15) in the SLC12A6 gene. It is expected to result in an absent or disrupted protein product. Loss-of-function variants in SLC12A6 are known to be pathogenic (PMID: 12368912, 16606917).

Literature cited by the submitters: PubMed 12368912; PubMed 16606917.